The following is an entry in ClinVar:

ClinVar aggregate classification (germline): Uncertain significance (1 of 4 stars; one submission).

Conditions:
Familial sleep-related hypermotor epilepsy. Also called: Autosomal Dominant Sleep-Related Hypermotor (Hyperkinetic) Epilepsy. Identifiers: Orphanet 98784, MedGen C3696898, MONDO:0000030.

Allele frequency attached by ClinVar (database versions not stated): gnomAD exomes below 0.00001.
gnomAD v4.1: 1 of 1,613,790 alleles (0.000062%); highest among the groups gnomAD compares: Non-Finnish European, 0.000085%; no homozygotes.

Submission:

Labcorp Genetics (formerly Invitae), Labcorp
Classification: Uncertain significance. Last evaluated: 2023-11-02. Review status: criteria provided, single submitter. Criteria: Invitae Variant Classification Sherloc (09022015). Collection method: clinical testing. Allele origin: germline.
Comment: This sequence change replaces proline, which is neutral and non-polar, with histidine, which is basic and polar, at codon 143 of the CHRNA2 protein (p.Pro143His). This variant is not present in population databases (gnomAD no frequency). This variant has not been reported in the literature in individuals affected with CHRNA2-related conditions. Advanced modeling of protein sequence and biophysical properties (such as structural, functional, and spatial information, amino acid conservation, physicochemical variation, residue mobility, and thermodynamic stability) performed at Invitae indicates that this missense variant is expected to disrupt CHRNA2 protein function with a positive predictive value of 80%. In summary, the available evidence is currently insufficient to determine the role of this variant in disease. Therefore, it has been classified as a Variant of Uncertain Significance.

NM_000742.4(CHRNA2):c.428C>A (p.Pro143His)

Gene: CHRNA2 (cholinergic receptor nicotinic alpha 2 subunit; minus strand). Cytogenetic location: 8p21.2.
Variant type: single nucleotide variant.
Coding change: c.428C>A on transcript NM_000742.4 (MANE Select); coding-DNA position 428, C replaced by A.
Protein change: p.Pro143His; replaces proline 143 with histidine.
Molecular consequence: missense variant. On other transcripts: 5 prime UTR variant (4).
Genome position (GRCh38, 1-based): chr8:27,467,250, G>T on the plus strand (C>A on the coding strand, the complement: CHRNA2 is on the minus strand). VCF-style: chr8-27467250-G-T. GRCh37 (hg19) VCF-style: chr8-27324767-G-T.
Other names: c.383C>A, p.Pro128His (NM_001282455.2); c.-45C>A (NM_001347705.2, NM_001347706.2); c.-31C>A (NM_001347707.2); c.-34C>A (NM_001347708.2); short protein forms P128H, P143H.
Identifiers: ClinVar variation 2692731 (VCV002692731.3), dbSNP rs2490558649, ClinGen allele CA370812497.